The following is an entry in ClinVar:

NM_173791.5(PDZD8):c.2786A>C (p.Asn929Thr)

Gene: PDZD8 (PDZ domain containing 8; minus strand). Cytogenetic location: 10q25.3.
Variant type: single nucleotide variant.
Coding change: c.2786A>C on transcript NM_173791.5 (MANE Select); coding-DNA position 2786, A replaced by C.
Protein change: p.Asn929Thr; replaces asparagine 929 with threonine.
Molecular consequence: missense variant.
Genome position (GRCh38, 1-based): chr10:117,283,947, T>G on the plus strand (A>C on the coding strand, the complement: PDZD8 is on the minus strand). VCF-style: chr10-117283947-T-G. GRCh37 (hg19) VCF-style: chr10-119043458-T-G.
Other names: short protein forms N929T.
Identifiers: ClinVar variation 4280762 (VCV004280762.7).

ClinVar aggregate classification (germline): Likely benign (1 of 4 stars; one submission).

gnomAD v4.1: 11,820 of 1,614,230 alleles (0.73%); highest among the groups gnomAD compares: Non-Finnish European, 0.88%; 55 homozygotes.

Submission:

CeGaT Center for Human Genetics Tuebingen
Classification: Likely benign. Last evaluated: 2026-05-01. Review status: criteria provided, single submitter. Criteria: CeGaT Center For Human Genetics Tuebingen Variant Classification Criteria Version 2. Collection method: clinical testing. Allele origin: germline. Affected: yes. Observed: 6 variant alleles.
Comment: PDZD8: BP4, BS2